The following is an entry in ClinVar:

ClinVar aggregate classification (germline): Uncertain significance (1 of 4 stars; one submission).

Conditions:
Hereditary cancer-predisposing syndrome. Also called: Tumor predisposition; Hereditary neoplastic syndrome; Neoplastic Syndromes, Hereditary; Hereditary Cancer Syndrome. Identifiers: Orphanet 140162, MedGen C0027672, MeSH D009386, MONDO:0015356.

Submission:

Ambry Genetics
Classification: Uncertain significance for Hereditary cancer-predisposing syndrome. Last evaluated: 2025-06-06. Review status: criteria provided, single submitter. Criteria: Ambry Variant Classification Scheme 2023. Collection method: clinical testing. Allele origin: germline.
Comment: The c.4328_4330delTTA variant (also known as p.F1443_N1444delinsY) is located in coding exon 10 of the BRCA2 gene. This variant results from an in-frame TTA deletion at nucleotide positions 4328 to 4330. The phenylalanine and asparagine residues at codons 1443-1444 are replaced by tyrosine. This amino acid position is well conserved in available vertebrate species. In addition, this variant is predicted to be deleterious by in silico analysis (Choi Y et al. PLoS ONE. 2012; 7(10):e46688). Based on the available evidence, the clinical significance of this variant remains unclear.

NM_000059.4(BRCA2):c.4328_4330del (p.Phe1443_Asn1444delinsTyr)

Gene: BRCA2 (BRCA2 DNA repair associated; plus strand). Cytogenetic location: 13q13.1.
Variant type: Deletion.
Coding change: c.4328_4330del on transcript NM_000059.4 (MANE Select); coding-DNA positions 4328 to 4330, 3 bases deleted (TTA; older notation c.4328_4330delTTA).
Protein change: p.Phe1443_Asn1444delinsTyr.
Molecular consequence: inframe indel. On other transcripts: non-coding transcript variant (1), intron variant (2).
Genome position (GRCh38, 1-based): chr13:32,338,683-32,338,685, TTA deleted. VCF-style (leftmost placement, unchanged base first): chr13-32338682-TTTA-T. GRCh37 (hg19) VCF-style: chr13-32912819-TTTA-T.
Other names: c.4328_4330del, p.Phe1443_Asn1444delinsTyr (NM_001406720.1, NM_001432077.1, NM_001406719.1); c.1909+5296_1909+5298del (NM_001406721.1); c.425-5875_425-5873del (NM_001406722.1).
Identifiers: ClinVar variation 3992871 (VCV003992871.1).